The following is an entry in ClinVar:

ClinVar aggregate classification (germline): Uncertain significance (1 of 4 stars; one submission).

Allele frequency attached by ClinVar (database versions not stated): TOPMed 0.00002.
gnomAD v4.1: 33 of 1,608,622 alleles (0.0021%); highest among the groups gnomAD compares: Middle Eastern, 0.05%; no homozygotes.

Submission:

Labcorp Genetics (formerly Invitae), Labcorp
Classification: Uncertain significance. Last evaluated: 2022-08-09. Review status: criteria provided, single submitter. Criteria: Invitae Variant Classification Sherloc (09022015). Collection method: clinical testing. Allele origin: germline.
Comment: This sequence change replaces arginine, which is basic and polar, with tryptophan, which is neutral and slightly polar, at codon 667 of the AP3B2 protein (p.Arg667Trp). The frequency data for this variant in the population databases is considered unreliable, as metrics indicate poor data quality at this position in the gnomAD database. This variant has not been reported in the literature in individuals affected with AP3B2-related conditions. ClinVar contains an entry for this variant (Variation ID: 1445747). Algorithms developed to predict the effect of missense changes on protein structure and function are either unavailable or do not agree on the potential impact of this missense change (SIFT: "Deleterious"; PolyPhen-2: "Benign"; Align-GVGD: "Class C0"). In summary, the available evidence is currently insufficient to determine the role of this variant in disease. Therefore, it has been classified as a Variant of Uncertain Significance.

NM_001278512.2(AP3B2):c.2056C>T (p.Arg686Trp)

Genes: AP3B2 (adaptor related protein complex 3 subunit beta 2; minus strand), CPEB1-AS1 (CPEB1 antisense RNA 1; plus strand). Cytogenetic location: 15q25.2.
Variant type: single nucleotide variant.
Coding change: c.2056C>T on transcript NM_001278512.2 (MANE Select); coding-DNA position 2056, C replaced by T.
Protein change: p.Arg686Trp; replaces arginine 686 with tryptophan.
Molecular consequence: missense variant.
Genome position (GRCh38, 1-based): chr15:82,664,916, G>A on the plus strand (C>T on the coding strand, the complement: AP3B2 is on the minus strand). VCF-style: chr15-82664916-G-A. GRCh37 (hg19) VCF-style: chr15-83333668-G-A.
Other names: c.1903C>T, p.Arg635Trp (NM_001278511.2); c.1999C>T, p.Arg667Trp (NM_004644.5); short protein forms R635W, R667W, R686W.
Identifiers: ClinVar variation 1445747 (VCV001445747.3), dbSNP rs1033207460, ClinGen allele CA393312364.